The following is an entry in ClinVar:

NM_153209.4(KIF19):c.1605C>G (p.Arg535=)

Gene: KIF19 (kinesin family member 19; plus strand). Cytogenetic location: 17q25.1.
Variant type: single nucleotide variant.
Coding change: c.1605C>G on transcript NM_153209.4 (MANE Select); coding-DNA position 1605, C replaced by G.
Protein change: p.Arg535=; no amino-acid change (arginine 535 retained).
Molecular consequence: synonymous variant.
Genome position (GRCh38, 1-based): chr17:74,351,884, C>G. VCF-style: chr17-74351884-C-G. GRCh37 (hg19) VCF-style: chr17-72348023-C-G.
Identifiers: ClinVar variation 4872778 (VCV004872778.2).
Genomic context (GRCh38, chr17:74,351,884, plus strand): 5'-ACCCCTCTCCCCGCTGCCAGATGCTGACCTGCGCCTCCTGCAGCTGGCGCTGGAGCAGCG[C>G]TGCCGGGAGCTGCGCGCGCGGGGCCGGCGCCTGGAGGAGACGCTGCCGCGGCGCATCGGC-3'
Protein context (NP_694941.2, residues 525-545): LRKQKLALEQ[Arg535=]CRELRARGRR

ClinVar aggregate classification (germline): Likely benign (1 of 4 stars; one submission).

Submission:

CeGaT Center for Human Genetics Tuebingen
Classification: Likely benign. Last evaluated: 2026-05-01. Review status: criteria provided, single submitter. Criteria: CeGaT Center For Human Genetics Tuebingen Variant Classification Criteria Version 2. Collection method: clinical testing. Allele origin: germline. Affected: yes. Observed: 1 variant allele.
Comment: KIF19: PM2:Supporting, BP4, BP7